The following is an entry in ClinVar:

ClinVar aggregate classification (germline): Conflicting classifications of pathogenicity. Review status: criteria provided, conflicting classifications (1 of 4 stars). 9 submissions from 9 submitters: Uncertain significance (3); Likely benign (4). 2 of the submissions do not count toward it. Last evaluated 2025-11-10.

Conditions:
SLC12A3-related disorder. Also called: SLC12A3-related condition.
Familial hypokalemia-hypomagnesemia (GTLMNS). Also called: POTASSIUM AND MAGNESIUM DEPLETION; gitelman syndrome; HYPOMAGNESEMIA-HYPOKALEMIA, PRIMARY RENOTUBULAR, WITH HYPOCALCIURIA. Identifiers: Orphanet 358, MedGen C0268450, MONDO:0009904, OMIM 263800.

Allele frequency attached by ClinVar (database versions not stated): 1000 Genomes Project 30x 0.00031; 1000 Genomes Project 0.00040; TOPMed 0.00052; ESP Exome Variant Server 0.00062; gnomAD exomes 0.00077 and 0.00109; gnomAD 0.00102 and 0.00213; ExAC 0.00108.

Submissions (9):

Labcorp Genetics (formerly Invitae), Labcorp
Classification: Likely benign. Last evaluated: 2025-11-10. Review status: criteria provided, single submitter. Criteria: Invitae Variant Classification Sherloc (09022015). Collection method: clinical testing. Allele origin: germline.

Blueprint Genetics
Classification: Likely benign. Last evaluated: 2024-11-22. Review status: criteria provided, single submitter. Criteria: ACMG Guidelines, 2015. Collection method: clinical testing. Allele origin: germline.

CeGaT Center for Human Genetics Tuebingen
Classification: Likely benign. Last evaluated: 2024-01-01. Review status: criteria provided, single submitter. Criteria: CeGaT Center For Human Genetics Tuebingen Variant Classification Criteria Version 2. Collection method: clinical testing. Allele origin: germline. Affected: yes. Observed: 2 variant alleles.
Comment: SLC12A3: BP4

Athena Diagnostics
Classification: Likely benign. Last evaluated: 2023-11-16. Review status: criteria provided, single submitter. Criteria: Athena Diagnostics Criteria. Collection method: clinical testing. Allele origin: unknown.

Genome-Nilou Lab
Classification: Uncertain significance for Familial hypokalemia-hypomagnesemia. Last evaluated: 2021-07-15. Review status: criteria provided, single submitter. Criteria: ACMG Guidelines, 2015. Collection method: clinical testing. Allele origin: germline. Affected: no.

GeneDx
Classification: Uncertain significance. Last evaluated: 2019-08-19. Review status: criteria provided, single submitter. Criteria: GeneDx Variant Classification Process June 2021. Collection method: clinical testing. Allele origin: germline. Affected: yes.
Comment: In silico analysis, which includes protein predictors and evolutionary conservation, supports that this variant does not alter protein structure/function; Has not been previously published as pathogenic or benign to our knowledge

Illumina Laboratory Services, Illumina
Classification: Uncertain significance for Familial hypokalemia-hypomagnesemia. Last evaluated: 2017-04-27. Review status: criteria provided, single submitter. Criteria: ICSL Variant Classification Criteria 13 December 2019. Collection method: clinical testing. Allele origin: germline.

PreventionGenetics, part of Exact Sciences
Classification: Likely benign for SLC12A3-related condition. Last evaluated: 2024-05-31. Review status: no assertion criteria provided. Collection method: clinical testing. Allele origin: germline. Not counted in ClinVar's aggregate classification.
Comment: This variant is classified as likely benign based on ACMG/AMP sequence variant interpretation guidelines (Richards et al. 2015 PMID: 25741868, with internal and published modifications).

Natera, Inc.
Classification: Uncertain significance for Gitelman syndrome. Last evaluated: 2019-11-11. Review status: no assertion criteria provided. Collection method: clinical testing. Allele origin: germline. Not counted in ClinVar's aggregate classification.

NM_001126108.2(SLC12A3):c.928G>A (p.Glu310Lys)

Gene: SLC12A3 (solute carrier family 12 member 3; plus strand). Cytogenetic location: 16q13.
Variant type: single nucleotide variant.
Coding change: c.928G>A on transcript NM_001126108.2 (MANE Select); coding-DNA position 928, G replaced by A.
Protein change: p.Glu310Lys; replaces glutamic acid 310 with lysine.
Molecular consequence: missense variant.
Genome position (GRCh38, 1-based): chr16:56,872,426, G>A. VCF-style: chr16-56872426-G-A. GRCh37 (hg19) VCF-style: chr16-56906338-G-A.
Other names: c.928G>A, p.Glu310Lys (NM_000339.3); c.925G>A, p.Glu309Lys (NM_001126107.2); short protein forms E310K, E309K.
Identifiers: ClinVar variation 713628 (VCV000713628.45), dbSNP rs146834675, ClinGen allele CA8069264.